The following is an entry in ClinVar:

NM_000336.3(SCNN1B):c.607T>C (p.Cys203Arg)

Gene: SCNN1B (sodium channel epithelial 1 subunit beta; plus strand). Cytogenetic location: 16p12.2.
Variant type: single nucleotide variant.
Coding change: c.607T>C on transcript NM_000336.3 (MANE Select); coding-DNA position 607, T replaced by C.
Protein change: p.Cys203Arg; replaces cysteine 203 with arginine.
Molecular consequence: missense variant.
Genome position (GRCh38, 1-based): chr16:23,355,320, T>C. VCF-style: chr16-23355320-T-C. GRCh37 (hg19) VCF-style: chr16-23366641-T-C.
Other names: c.607T>C, p.Cys203Arg (NM_001410900.1); short protein forms C203R.
Identifiers: ClinVar variation 2008481 (VCV002008481.4), dbSNP rs2506434607, ClinGen allele CA395115046.

ClinVar aggregate classification (germline): Uncertain significance (1 of 4 stars; one submission).

Submission:

Labcorp Genetics (formerly Invitae), Labcorp
Classification: Uncertain significance. Last evaluated: 2022-06-19. Review status: criteria provided, single submitter. Criteria: Invitae Variant Classification Sherloc (09022015). Collection method: clinical testing. Allele origin: germline.
Comment: In summary, the available evidence is currently insufficient to determine the role of this variant in disease. Therefore, it has been classified as a Variant of Uncertain Significance. Algorithms developed to predict the effect of missense changes on protein structure and function are either unavailable or do not agree on the potential impact of this missense change (SIFT: "Deleterious"; PolyPhen-2: "Probably Damaging"; Align-GVGD: "Class C0"). This variant has not been reported in the literature in individuals affected with SCNN1B-related conditions. This variant is not present in population databases (gnomAD no frequency). This sequence change replaces cysteine, which is neutral and slightly polar, with arginine, which is basic and polar, at codon 203 of the SCNN1B protein (p.Cys203Arg).